The following is an entry in ClinVar:

ClinVar aggregate classification (germline): Uncertain significance (1 of 4 stars; one submission).

Conditions:
Catecholaminergic polymorphic ventricular tachycardia 1. Also called: VENTRICULAR TACHYCARDIA, CATECHOLAMINERGIC POLYMORPHIC, 1, WITH OR WITHOUT ATRIAL DYSFUNCTION AND/OR DILATED CARDIOMYOPATHY; RYR2-Related Catecholaminergic Polymorphic Ventricular Tachycardia; VENTRICULAR TACHYCARDIA, STRESS-INDUCED POLYMORPHIC 1. Identifiers: Orphanet 3286, MedGen C1631597, MONDO:0011484, OMIM 604772.

Submission:

Labcorp Genetics (formerly Invitae), Labcorp
Classification: Uncertain significance for Catecholaminergic polymorphic ventricular tachycardia 1. Last evaluated: 2021-11-19. Review status: criteria provided, single submitter. Criteria: Invitae Variant Classification Sherloc (09022015). Collection method: clinical testing. Allele origin: germline.
Comment: This variant has not been reported in the literature in individuals affected with TRDN-related conditions. This variant is a gross deletion of the genomic region encompassing exon(s) 6-7 of the TRDN gene. This variant would be expected to be in-frame, preserving the integrity of the reading frame. In summary, the available evidence is currently insufficient to determine the role of this variant in disease. Therefore, it has been classified as a Variant of Uncertain Significance. Experimental studies and prediction algorithms are not available or were not evaluated, and the functional significance of this variant is currently unknown.

NC_000006.11:g.(?_123833428)_(123837371_?)del

Gene: TRDN (triadin; minus strand). Cytogenetic location: 6q22.31.
Variant type: Deletion.
Identifiers: ClinVar variation 2425497 (VCV002425497.4).